The following is an entry in ClinVar:

ClinVar aggregate classification (germline): Benign/Likely benign. Review status: criteria provided, multiple submitters, no conflicts (2 of 4 stars). 3 submissions from 3 submitters: Benign (2); Likely benign (1). Last evaluated 2026-01-22.

Conditions:
Spondyloepimetaphyseal dysplasia, PAPSS2 type. Also called: BRACHYOLMIA TYPE 4 WITH MILD EPIPHYSEAL AND METAPHYSEAL CHANGES; SPONDYLODYSPLASIA AND PREMATURE PUBARCHE; SEMD, PAKISTANI TYPE. Identifiers: Orphanet 93282, MedGen C2748516, MONDO:0019666, OMIM 612847.

Allele frequency attached by ClinVar (database versions not stated): 1000 Genomes Project 0.00040; 1000 Genomes Project 30x 0.00047; TOPMed 0.00138; ESP Exome Variant Server 0.00161; gnomAD 0.00232 and 0.00235; gnomAD exomes 0.00233; ExAC 0.00248.
gnomAD v4.1: 3,340 of 1,613,758 alleles (0.21%); highest among the groups gnomAD compares: South Asian, 0.27%; 20 homozygotes.

Submissions (3):

Labcorp Genetics (formerly Invitae), Labcorp
Classification: Benign for Spondyloepimetaphyseal dysplasia, PAPSS2 type. Last evaluated: 2026-01-22. Review status: criteria provided, single submitter. Criteria: Invitae Variant Classification Sherloc (09022015). Collection method: clinical testing. Allele origin: germline.

CeGaT Center for Human Genetics Tuebingen
Classification: Likely benign. Last evaluated: 2025-05-01. Review status: criteria provided, single submitter. Criteria: CeGaT Center For Human Genetics Tuebingen Variant Classification Criteria Version 2. Collection method: clinical testing. Allele origin: germline. Affected: yes. Observed: 3 variant alleles.
Comment: PAPSS2: BP4, BP7, BS2

Breakthrough Genomics
Classification: Benign. Review status: criteria provided, single submitter. Criteria: ACMG Guidelines, 2015. Collection method: not provided. Allele origin: germline. Inheritance: Autosomal recessive inheritance. Affected: yes.

NM_001015880.2(PAPSS2):c.477C>T (p.Asp159=)

Gene: PAPSS2 (3'-phosphoadenosine 5'-phosphosulfate synthase 2; plus strand). Cytogenetic location: 10q23.31.
Variant type: single nucleotide variant.
Coding change: c.477C>T on transcript NM_001015880.2 (MANE Select); coding-DNA position 477, C replaced by T.
Protein change: p.Asp159=; no amino-acid change (aspartic acid 159 retained).
Molecular consequence: synonymous variant.
Genome position (GRCh38, 1-based): chr10:87,714,139, C>T. VCF-style: chr10-87714139-C-T. GRCh37 (hg19) VCF-style: chr10-89473896-C-T.
Other names: c.477C>T, p.Asp159= (NM_004670.4).
Identifiers: ClinVar variation 782953 (VCV000782953.29), dbSNP rs141604779, ClinGen allele CA5589466.